The following is an entry in ClinVar:

ClinVar aggregate classification (germline): Uncertain significance. Review status: criteria provided, multiple submitters, no conflicts (2 of 4 stars). 3 submissions from 3 submitters: Uncertain significance (3). Last evaluated 2026-01-27.

Conditions:
SH2B1-related disorder. Also called: SH2B1-related condition.

Submissions (3):

PreventionGenetics, part of Exact Sciences
Classification: Uncertain significance for SH2B1-related condition. Last evaluated: 2026-01-27. Review status: criteria provided, single submitter. Criteria: ACMG Guidelines, 2015. Collection method: clinical testing. Allele origin: germline.
Comment: The SH2B1 c.128G>A variant is predicted to result in the amino acid substitution p.Arg43His. To our knowledge, this variant has not been reported in the literature. This variant is reported in 0.021% of alleles in individuals of African descent in gnomAD. At this time, the clinical significance of this variant is uncertain due to the absence of conclusive functional and genetic evidence.

Ambry Genetics
Classification: Uncertain significance. Last evaluated: 2025-09-29. Review status: criteria provided, single submitter. Criteria: Ambry Variant Classification Scheme 2023. Collection method: clinical testing. Allele origin: germline.

Labcorp Genetics (formerly Invitae), Labcorp
Classification: Uncertain significance. Last evaluated: 2025-08-28. Review status: criteria provided, single submitter. Criteria: Invitae Variant Classification Sherloc (09022015). Collection method: clinical testing. Allele origin: germline.
Comment: This sequence change replaces arginine, which is basic and polar, with histidine, which is basic and polar, at codon 43 of the SH2B1 protein (p.Arg43His). The frequency data for this variant in the population databases is considered unreliable, as metrics indicate poor data quality at this position in the gnomAD database. This variant has not been reported in the literature in individuals affected with SH2B1-related conditions. An algorithm developed to predict the effect of missense changes on protein structure and function outputs the following: PolyPhen-2: "Probably Damaging". The histidine amino acid residue is found in multiple mammalian species, which suggests that this missense change does not adversely affect protein function. In summary, the available evidence is currently insufficient to determine the role of this variant in disease. Therefore, it has been classified as a Variant of Uncertain Significance.

NM_001387430.1(SH2B1):c.128G>A (p.Arg43His)

Gene: SH2B1 (SH2B adaptor protein 1; plus strand). Cytogenetic location: 16p11.2.
Variant type: single nucleotide variant.
Coding change: c.128G>A on transcript NM_001387430.1 (MANE Select); coding-DNA position 128, G replaced by A.
Protein change: p.Arg43His; replaces arginine 43 with histidine.
Molecular consequence: missense variant. On other transcripts: intron variant (1).
Genome position (GRCh38, 1-based): chr16:28,866,222, G>A. VCF-style: chr16-28866222-G-A. GRCh37 (hg19) VCF-style: chr16-28877543-G-A.
Other names: c.128G>A, p.Arg43His (NM_001145795.2, NM_001145796.2, NM_001145797.2 and 4 more transcripts); c.-26-1152G>A (NM_001308294.2); short protein forms R43H.
Identifiers: ClinVar variation 4583087 (VCV004583087.3).